The following is an entry in ClinVar:

NM_198506.5(LRIT3):c.342del (p.Asn115fs)

Gene: LRIT3 (leucine rich repeat, Ig-like and transmembrane domains 3; plus strand). Cytogenetic location: 4q25.
Variant type: Deletion.
Coding change: c.342del on transcript NM_198506.5 (MANE Select); coding-DNA position 342, one base deleted (G; older notation c.342delG).
Protein change: p.Asn115fs; shifts the reading frame from asparagine 115.
Molecular consequence: frameshift variant.
Genome position (GRCh38, 1-based): chr4:109,851,729, G deleted; the last of 3 consecutive G bases (chr4:109,851,727-109,851,729); deleting any one gives the same sequence. VCF-style (leftmost placement, unchanged base first): chr4-109851726-TG-T. GRCh37 (hg19) VCF-style: chr4-110772882-TG-T.
Other names: c.342delG (NM_198506.4); short protein forms N115fs.
Identifiers: ClinVar variation 1046719 (VCV001046719.7), dbSNP rs1310606638, ClinGen allele CA554050736.
Genomic context (GRCh38, chr4:109,851,726, plus strand): 5'-GGCCAGCATTGACCCCAGCAGCTTTTACAACCTGAAGCAACTGCATGAGTTGCGCTTGGA[TG>T]GGAATTCTCTGGCTGCTTTCCCTTGGGCATCTCTGCTGGACATGCCCCTTCTGAGGACCC-3'

ClinVar aggregate classification (germline): Conflicting classifications of pathogenicity. Review status: criteria provided, conflicting classifications (1 of 4 stars). 3 submissions from 3 submitters: Likely pathogenic (1); Uncertain significance (2). Last evaluated 2024-06-27.

Conditions:
LRIT3-related disorders.
Congenital stationary night blindness 1F. Also called: Night blindness, congenital stationary (complete), 1F, autosomal recessive. Identifiers: Orphanet 215, MedGen C3554399, MONDO:0014026, OMIM 615058.

Submissions (3):

Blueprint Genetics
Classification: Likely pathogenic for LRIT3-related disorders. Last evaluated: 2024-06-27. Review status: criteria provided, single submitter. Criteria: ACMG Guidelines, 2015. Collection method: clinical testing. Allele origin: germline. Affected: yes. Observed: 4 variant alleles.

Victorian Clinical Genetics Services, Murdoch Childrens Research Institute
Classification: Uncertain significance for Congenital stationary night blindness 1F. Last evaluated: 2023-07-16. Review status: criteria provided, single submitter. Criteria: ACMG Guidelines, 2015. Collection method: clinical testing. Allele origin: germline. Inheritance: Autosomal recessive inheritance. Affected: yes.
Comment: Based on the classification scheme VCGS_Germline_v1.3.4, this variant is classified as VUS-3B. Following criteria are met: 0105 - The mechanism of disease for this gene is not clearly established. However, loss of function is a likely mechanism, and is supported by a knockout mouse model (PMID: 24598786). (I) 0106 - This gene is associated with autosomal recessive disease. (I) 0201 - Variant is predicted to cause nonsense-mediated decay (NMD) and loss of protein (premature termination codon is located at least 54 nucleotides upstream of the final exon-exon junction). (SP) 0252 - This variant is homozygous. (I) 0304 - Variant is present in gnomAD (v3) <0.01 for a recessive condition (2 heterozygotes, 0 homozygotes). (SP) 0710 - Other NMD-predicted variants comparable to the one identified in this case have inconclusive previous evidence for pathogenicity. These variants have been reported mostly as VUS (and once as pathogenic). However, they have not been observed in the literature and have limited clinical information (ClinVar). (I) 0809 - Previous evidence of pathogenicity for this variant is inconclusive. This variant has been reported as a VUS in a heterozygous individual with an inherited retinal disease (ClinVar - personal communication), and observed in a screening study (PMID: 31964843). (I) 0905 - No published segregation evidence has been identified for this variant. (I) 1007 - No published functional evidence has been identified for this variant. (I) 1208 - Inheritance information for this variant is not currently available in this individual. (I) Legend: (SP) - Supporting pathogenic, (I) - Information, (SB) - Supporting benign

Labcorp Genetics (formerly Invitae), Labcorp
Classification: Uncertain significance. Last evaluated: 2022-10-13. Review status: criteria provided, single submitter. Criteria: Invitae Variant Classification Sherloc (09022015). Collection method: clinical testing. Allele origin: germline.
Comment: In summary, the available evidence is currently insufficient to determine the role of this variant in disease. Therefore, it has been classified as a Variant of Uncertain Significance. This sequence change creates a premature translational stop signal (p.Asn115Ilefs*17) in the LRIT3 gene. It is expected to result in an absent or disrupted protein product. However, the current clinical and genetic evidence is not sufficient to establish whether loss-of-function variants in LRIT3 cause disease. This variant is present in population databases (no rsID available, gnomAD 0.01%). This variant has not been reported in the literature in individuals affected with LRIT3-related conditions. ClinVar contains an entry for this variant (Variation ID: 1046719).

Literature cited by the submitters: PubMed 24598786 (cited by Victorian Clinical Genetics Services, Murdoch Childrens Research Institute); PubMed 31964843 (cited by Victorian Clinical Genetics Services, Murdoch Childrens Research Institute).